The following is an entry in ClinVar:

NM_000554.6(CRX):c.159del (p.Glu53fs)

Gene: CRX (cone-rod homeobox; plus strand). Cytogenetic location: 19q13.33.
Variant type: Deletion.
Coding change: c.159del on transcript NM_000554.6 (MANE Select); coding-DNA position 159, one base deleted (G; older notation c.159delG).
Protein change: p.Glu53fs; shifts the reading frame from glutamic acid 53.
Molecular consequence: frameshift variant.
Genome position (GRCh38, 1-based): chr19:47,836,301, G deleted. VCF-style (leftmost placement, unchanged base first): chr19-47836300-AG-A. GRCh37 (hg19) VCF-style: chr19-48339557-AG-A.
Other names: short protein forms E53fs.
Identifiers: ClinVar variation 2927229 (VCV002927229.3), dbSNP rs2514252240, ClinGen allele CA2695228920.

ClinVar aggregate classification (germline): Pathogenic (1 of 4 stars; one submission).

Conditions:
Leber congenital amaurosis 7 (LCA7). Identifiers: Orphanet 65, MedGen C3151192, MONDO:0013449, OMIM 613829.
Cone-rod dystrophy 2 (CORD2). Also called: CONE-ROD RETINAL DYSTROPHY; Cone-rod retinal dystrophy 2. Identifiers: Orphanet 1872, MedGen C3489532, MONDO:0007362, OMIM 120970.

Submission:

Labcorp Genetics (formerly Invitae), Labcorp
Classification: Pathogenic for Cone-rod dystrophy 2; Leber congenital amaurosis 7. Last evaluated: 2022-12-14. Review status: criteria provided, single submitter. Criteria: Invitae Variant Classification Sherloc (09022015). Collection method: clinical testing. Allele origin: germline.
Comment: This sequence change creates a premature translational stop signal (p.Glu53Aspfs*22) in the CRX gene. While this is not anticipated to result in nonsense mediated decay, it is expected to disrupt the last 247 amino acid(s) of the CRX protein. This variant is not present in population databases (gnomAD no frequency). This premature translational stop signal has been observed in individual(s) with autosomal dominant retinal dystrophy (PMID: 29555955). This variant disrupts a region of the CRX protein in which other variant(s) (p.Gln256*) have been determined to be pathogenic (PMID: 26682157, 28945142; Invitae). This suggests that this is a clinically significant region of the protein, and that variants that disrupt it are likely to be disease-causing. For these reasons, this variant has been classified as Pathogenic.

Literature cited by the submitters: PubMed 29555955; PubMed 26682157; PubMed 28945142.